The following is an entry in ClinVar:

NM_001378615.1(CC2D2A):c.2041T>A (p.Ser681Thr)

Genes: CC2D2A (coiled-coil and C2 domain containing 2A; plus strand), FBXL5 (F-box and leucine rich repeat protein 5; minus strand). Cytogenetic location: 4p15.32.
Variant type: single nucleotide variant.
Coding change: c.2041T>A on transcript NM_001378615.1 (MANE Select); coding-DNA position 2041, T replaced by A.
Protein change: p.Ser681Thr; replaces serine 681 with threonine.
Molecular consequence: missense variant.
Genome position (GRCh38, 1-based): chr4:15,540,874, T>A. VCF-style: chr4-15540874-T-A. GRCh37 (hg19) VCF-style: chr4-15542497-T-A.
Other names: c.2041T>A, p.Ser681Thr (NM_001080522.2); c.1894T>A, p.Ser632Thr (NM_001378617.1); short protein forms S632T, S681T.
Identifiers: ClinVar variation 967284 (VCV000967284.7), dbSNP rs769428879, ClinGen allele CA2863837.
Genomic context (GRCh38, chr4:15,540,874, plus strand): 5'-CTGTGAATGGTCTCCTTTTGCAGAGCGGAGGTCTCGAGAAGGGAGGATGTAAAGAAGCGC[T>A]CAGTGTACTTAAAAGTGCTGTTCAACAACAAGGAGGTGTCCAGGACAGTCAGTCGGCCAC-3'
Protein context (NP_001365544.1, residues 671-691): VSRREDVKKR[Ser681Thr]VYLKVLFNNK

ClinVar aggregate classification (germline): Uncertain significance. Review status: criteria provided, multiple submitters, no conflicts (2 of 4 stars). 2 submissions from 2 submitters: Uncertain significance (2). Last evaluated 2022-02-08.

Conditions:
Meckel-Gruber syndrome. Also called: Dysencephalia splachnocystica; DYSENCEPHALIA SPLANCHNOCYSTICA; GRUBER SYNDROME. Identifiers: Orphanet 564, MedGen C0265215, MONDO:0018921.
Joubert syndrome. Also called: Familial aplasia of the vermis; JOUBERT-BOLTSHAUSER SYNDROME. Identifiers: Orphanet 475, MedGen C5979921, MONDO:0018772.

Allele frequency attached by ClinVar (database versions not stated): gnomAD 0.00001; TOPMed 0.00003.
gnomAD v4.1: 3 of 1,599,474 alleles (0.00019%); highest among the groups gnomAD compares: Admixed American, 0.0017%; no homozygotes.

Submissions (2):

GeneDx
Classification: Uncertain significance. Last evaluated: 2022-02-08. Review status: criteria provided, single submitter. Criteria: GeneDx Variant Classification Process June 2021. Collection method: clinical testing. Allele origin: germline. Affected: yes.
Comment: Not observed at significant frequency in large population cohorts (gnomAD); In silico analysis supports that this missense variant does not alter protein structure/function; Has not been previously published as pathogenic or benign to our knowledge

Labcorp Genetics (formerly Invitae), Labcorp
Classification: Uncertain significance for Joubert syndrome; Meckel-Gruber syndrome. Last evaluated: 2021-10-21. Review status: criteria provided, single submitter. Criteria: Invitae Variant Classification Sherloc (09022015). Collection method: clinical testing. Allele origin: germline.
Comment: This sequence change replaces serine with threonine at codon 681 of the CC2D2A protein (p.Ser681Thr). The serine residue is moderately conserved and there is a small physicochemical difference between serine and threonine. This variant is present in population databases (rs769428879, ExAC 0.04%). This variant has not been reported in the literature in individuals affected with CC2D2A-related conditions. Algorithms developed to predict the effect of missense changes on protein structure and function (SIFT, PolyPhen-2, Align-GVGD) all suggest that this variant is likely to be tolerated. In summary, the available evidence is currently insufficient to determine the role of this variant in disease. Therefore, it has been classified as a Variant of Uncertain Significance.